The following is an entry in ClinVar:

NM_001384732.1(CPLANE1):c.1115C>T (p.Thr372Met)

Gene: CPLANE1 (ciliogenesis and planar polarity effector complex subunit 1; minus strand). Cytogenetic location: 5p13.2.
Variant type: single nucleotide variant.
Coding change: c.1115C>T on transcript NM_001384732.1 (MANE Select); coding-DNA position 1115, C replaced by T.
Protein change: p.Thr372Met; replaces threonine 372 with methionine.
Molecular consequence: missense variant.
Genome position (GRCh38, 1-based): chr5:37,230,873, G>A on the plus strand (C>T on the coding strand, the complement: CPLANE1 is on the minus strand). VCF-style: chr5-37230873-G-A. GRCh37 (hg19) VCF-style: chr5-37230975-G-A.
Other names: c.1115C>T, p.Thr372Met (NM_023073.4); short protein forms T372M.
Identifiers: ClinVar variation 1388937 (VCV001388937.8), dbSNP rs1046843624, ClinGen allele CA117060306.
Genomic context (GRCh38, chr5:37,230,873, plus strand): 5'-ATACAAAACAGAAAAAAAATCTATAAACAAATTAACACAATTCAAATGTCTCACCTATAC[G>A]TTATTAGTGGATGAAGAGGAATAAATTCTGCTGGGCCAAATTCTATAGAGCAACCAAATG-3'
Protein context (NP_001371661.1, residues 362-382): AEFIPLHPLI[Thr372Met]YRPQQFTFQD

ClinVar aggregate classification (germline): Conflicting classifications of pathogenicity. Review status: criteria provided, conflicting classifications (1 of 4 stars). 4 submissions from 4 submitters: Uncertain significance (3); Likely benign (1). Last evaluated 2026-02-02.

Conditions:
Orofaciodigital syndrome type 6 (OFD6). Also called: Oral-facial-digital syndrome type 6; Central polydactyly cleft lip/palate or lingual lump and psychomotor retardation; Y-shaped central metacarpal and cerebellar defect; Joubert syndrome with orofacialdigital anomalies; VARADI SYNDROME; VARADI-PAPP SYNDROME. Identifiers: Orphanet 2754, MedGen C2745997, MONDO:0010176, OMIM 277170.
Joubert syndrome 17 (JBTS17). Identifiers: Orphanet 475, MedGen C3553264, MONDO:0013824, OMIM 614615.

Allele frequency attached by ClinVar (database versions not stated): gnomAD 0.00001 and 0.00003; gnomAD exomes 0.00001 and 0.00002; TOPMed 0.00002.
gnomAD v4.1: 24 of 1,527,354 alleles (0.0016%); highest among the groups gnomAD compares: Middle Eastern, 0.067%; no homozygotes.

Submissions (4):

Centre for Medical Genetics,  Mumbai
Classification: Likely benign for Joubert syndrome 17. Last evaluated: 2026-02-02. Review status: criteria provided, single submitter. Criteria: ACMG Guidelines, 2015. Collection method: provider interpretation. Allele origin: germline. Inheritance: Autosomal recessive inheritance. Affected: no. Observed: 1 homozygote.
Comment: The variant satisfies PM2 criteria; Extremely low frequency in gnomAD population databases. However, the variant satisfies BS2 criteria.

Labcorp Genetics (formerly Invitae), Labcorp
Classification: Uncertain significance. Last evaluated: 2025-01-29. Review status: criteria provided, single submitter. Criteria: Invitae Variant Classification Sherloc (09022015). Collection method: clinical testing. Allele origin: germline.
Comment: This sequence change replaces threonine, which is neutral and polar, with methionine, which is neutral and non-polar, at codon 372 of the CPLANE1 protein (p.Thr372Met). This variant is present in population databases (no rsID available, gnomAD 0.005%). This variant has not been reported in the literature in individuals affected with CPLANE1-related conditions. ClinVar contains an entry for this variant (Variation ID: 1388937). Invitae Evidence Modeling of protein sequence and biophysical properties (such as structural, functional, and spatial information, amino acid conservation, physicochemical variation, residue mobility, and thermodynamic stability) has been performed for this missense variant. However, the output from this modeling did not meet the statistical confidence thresholds required to predict the impact of this variant on CPLANE1 protein function. In summary, the available evidence is currently insufficient to determine the role of this variant in disease. Therefore, it has been classified as a Variant of Uncertain Significance.

GeneDx
Classification: Uncertain significance. Last evaluated: 2022-08-08. Review status: criteria provided, single submitter. Criteria: GeneDx Variant Classification Process June 2021. Collection method: clinical testing. Allele origin: germline. Affected: yes.
Comment: Not observed at significant frequency in large population cohorts (gnomAD); In silico analysis supports that this missense variant has a deleterious effect on protein structure/function; Has not been previously published as pathogenic or benign to our knowledge

Fulgent Genetics
Classification: Uncertain significance for Orofaciodigital syndrome type 6; Joubert syndrome 17. Last evaluated: 2022-03-12. Review status: criteria provided, single submitter. Criteria: ACMG Guidelines, 2015. Collection method: clinical testing. Allele origin: unknown.

Literature cited by the submitters: PubMed 22425360 (cited by Centre for Medical Genetics,  Mumbai).